The following is an entry in ClinVar:

NM_017780.4(CHD7):c.2065A>G (p.Thr689Ala)

Genes: CHD7 (chromodomain helicase DNA binding protein 7; plus strand), LOC126860403 (CDK7 strongly-dependent group 2 enhancer GRCh37_chr8:61693034-61694233; plus strand). Cytogenetic location: 8q12.2.
Variant type: single nucleotide variant.
Coding change: c.2065A>G on transcript NM_017780.4 (MANE Select); coding-DNA position 2065, A replaced by G.
Protein change: p.Thr689Ala; replaces threonine 689 with alanine.
Molecular consequence: missense variant. On other transcripts: intron variant (1).
Genome position (GRCh38, 1-based): chr8:60,781,399, A>G. VCF-style: chr8-60781399-A-G. GRCh37 (hg19) VCF-style: chr8-61693958-A-G.
Other names: c.1716+349A>G (NM_001316690.1); c.2065A>G (NM_017780.3); short protein forms T689A.
Identifiers: ClinVar variation 4722038 (VCV004722038.2).

ClinVar aggregate classification (germline): Uncertain significance. Review status: criteria provided, multiple submitters, no conflicts (2 of 4 stars). 2 submissions from 2 submitters: Uncertain significance (2). Last evaluated 2026-02-25.

Conditions:
CHARGE syndrome (CHARGE). Also called: Hittner Hirsch Kreh syndrome; CHARGE ASSOCIATION--COLOBOMA, HEART ANOMALY, CHOANAL ATRESIA, RETARDATION, GENITAL AND EAR ANOMALIES; Coloboma, heart anomaly, choanal atresia, retardation, genital and ear anomalies; CHARGE association; Hall-Hittner syndrome. Identifiers: Orphanet 138, MedGen C0265354, MONDO:0008965.
Inborn genetic diseases. Identifiers: MedGen C0950123, MeSH D030342.

gnomAD v4.1: 1 of 1,532,956 alleles (0.000065%); highest among the groups gnomAD compares: African/African-American, 0.0014%; no homozygotes.

Submissions (2):

Ambry Genetics
Classification: Uncertain significance for Inborn genetic diseases. Last evaluated: 2026-02-25. Review status: criteria provided, single submitter. Criteria: Ambry Variant Classification Scheme 2023. Collection method: clinical testing. Allele origin: germline.

Labcorp Genetics (formerly Invitae), Labcorp
Classification: Uncertain significance for CHARGE syndrome. Last evaluated: 2025-03-13. Review status: criteria provided, single submitter. Criteria: Invitae Variant Classification Sherloc (09022015). Collection method: clinical testing. Allele origin: germline.
Comment: This sequence change replaces threonine, which is neutral and polar, with alanine, which is neutral and non-polar, at codon 689 of the CHD7 protein (p.Thr689Ala). This variant is not present in population databases (gnomAD no frequency). This variant has not been reported in the literature in individuals affected with CHD7-related conditions. Invitae Evidence Modeling of protein sequence and biophysical properties (such as structural, functional, and spatial information, amino acid conservation, physicochemical variation, residue mobility, and thermodynamic stability) indicates that this missense variant is not expected to disrupt CHD7 protein function with a negative predictive value of 80%. In summary, the available evidence is currently insufficient to determine the role of this variant in disease. Therefore, it has been classified as a Variant of Uncertain Significance.